The following is an entry in ClinVar:

NM_001927.4(DES):c.937G>A (p.Ala313Thr)

Gene: DES (desmin; plus strand). Cytogenetic location: 2q35.
Variant type: single nucleotide variant.
Coding change: c.937G>A on transcript NM_001927.4 (MANE Select); coding-DNA position 937, G replaced by A.
Protein change: p.Ala313Thr; replaces alanine 313 with threonine.
Molecular consequence: missense variant.
Genome position (GRCh38, 1-based): chr2:219,420,867, G>A. VCF-style: chr2-219420867-G-A. GRCh37 (hg19) VCF-style: chr2-220285589-G-A.
Other names: short protein forms A313T.
Identifiers: ClinVar variation 228553 (VCV000228553.27), dbSNP rs766252091, ClinGen allele CA2125192.
Genomic context (GRCh38, chr2:219,420,867, plus strand): 5'-GGCCCCTTTCTCTGCCCTTAGGTGTCAGACCTGACCCAGGCAGCCAACAAGAACAACGAC[G>A]CCCTGCGCCAGGCCAAGCAGGAGATGATGGAATACCGACACCAGATCCAGTCCTACACCT-3'
Protein context (NP_001918.3, residues 303-323): LTQAANKNND[Ala313Thr]LRQAKQEMME

ClinVar aggregate classification (germline): Uncertain significance. Review status: criteria provided, multiple submitters, no conflicts (2 of 4 stars). 9 submissions from 9 submitters: Uncertain significance (9). Last evaluated 2026-09-21.

Conditions:
Cardiovascular phenotype. Identifiers: MedGen CN230736.
Desmin-related myofibrillar myopathy (MFM1). Also called: Myofibrillar myopathy 1; MYOFIBRILLAR MYOPATHY WITH ARRHYTHMOGENIC RIGHT VENTRICULAR CARDIOMYOPATHY; DESMIN-RELATED MYOPATHY WITH ARRHYTHMOGENIC RIGHT VENTRICULAR CARDIOMYOPATHY; Desmin related myopathy (former name); Desmin storage myopathy (former name); Desminopathy. Identifiers: Orphanet 363543, Orphanet 98909, MedGen C1832370, MONDO:0011076, OMIM 601419.
Dilated cardiomyopathy 1I (CMD1I). Identifiers: Orphanet 154, MedGen C1858154, MONDO:0011482, OMIM 604765.

Allele frequency attached by ClinVar (database versions not stated): gnomAD exomes 0.00001 and 0.00003; ExAC 0.00002; TOPMed 0.00002; gnomAD 0.00003 and 0.00004.

Submissions (9):

Molecular Diagnostic Laboratory for Inherited Cardiovascular Disease, Montreal Heart Institute
Classification: Uncertain significance for Cardiovascular phenotype. Last evaluated: 2026-09-21. Review status: criteria provided, single submitter. Criteria: ACMG Guidelines, 2015. Collection method: clinical testing. Allele origin: germline. Affected: yes.

CeGaT Center for Human Genetics Tuebingen
Classification: Uncertain significance. Last evaluated: 2026-07-01. Review status: criteria provided, single submitter. Criteria: CeGaT Center For Human Genetics Tuebingen Variant Classification Criteria Version 2. Collection method: clinical testing. Allele origin: germline. Affected: yes. Observed: 1 variant allele.
Comment: DES: PM2, PP3

Labcorp Genetics (formerly Invitae), Labcorp
Classification: Uncertain significance for Desmin-related myofibrillar myopathy. Last evaluated: 2026-01-11. Review status: criteria provided, single submitter. Criteria: Invitae Variant Classification Sherloc (09022015). Collection method: clinical testing. Allele origin: germline.
Comment: This sequence change replaces alanine, which is neutral and non-polar, with threonine, which is neutral and polar, at codon 313 of the DES protein (p.Ala313Thr). This variant is present in population databases (rs766252091, gnomAD 0.003%). This variant has not been reported in the literature in individuals affected with DES-related conditions. ClinVar contains an entry for this variant (Variation ID: 228553). Invitae Evidence Modeling of protein sequence and biophysical properties (such as structural, functional, and spatial information, amino acid conservation, physicochemical variation, residue mobility, and thermodynamic stability) has been performed for this missense variant. However, the output from this modeling did not meet the statistical confidence thresholds required to predict the impact of this variant on DES protein function. In summary, the available evidence is currently insufficient to determine the role of this variant in disease. Therefore, it has been classified as a Variant of Uncertain Significance.

Women's Health and Genetics/Laboratory Corporation of America, LabCorp
Classification: Uncertain significance. Last evaluated: 2025-12-02. Review status: criteria provided, single submitter. Criteria: LabCorp Variant Classification Summary - May 2015. Collection method: clinical testing. Allele origin: germline.

GeneDx
Classification: Uncertain significance. Last evaluated: 2024-07-22. Review status: criteria provided, single submitter. Criteria: GeneDx Variant Classification Process June 2021. Collection method: clinical testing. Allele origin: germline. Affected: yes.
Comment: Has not been previously published as pathogenic or benign to our knowledge; In silico analysis supports that this missense variant has a deleterious effect on protein structure/function; Not observed at significant frequency in large population cohorts (gnomAD)

Ambry Genetics
Classification: Uncertain significance for Cardiovascular phenotype. Last evaluated: 2023-09-29. Review status: criteria provided, single submitter. Criteria: Ambry Variant Classification Scheme 2023. Collection method: clinical testing. Allele origin: germline.
Comment: The p.A313T variant (also known as c.937G>A), located in coding exon 5 of the DES gene, results from a G to A substitution at nucleotide position 937. The alanine at codon 313 is replaced by threonine, an amino acid with similar properties. This amino acid position is well conserved in available vertebrate species. In addition, the in silico prediction for this alteration is inconclusive. Since supporting evidence is limited at this time, the clinical significance of this alteration remains unclear.

New York Genome Center
Classification: Uncertain significance for Dilated cardiomyopathy 1I. Last evaluated: 2022-11-04. Review status: criteria provided, single submitter. Criteria: NYGC Assertion Criteria 2020. Collection method: clinical testing. Allele origin: germline. Observed: 1 heterozygote.
Comment: The c.937G>A p.(Ala313Thr) variant identified in the DES gene has not previously been reported in the literature and has been deposited in ClinVar [ClinVar ID: 228553] as Variant of Uncertain Significance. The c.937G>A variant is observed in 9 alleles (~0.002% minor allele frequency with 0 homozygotes) in population databases (gnomAD v2.1.1 and v3.1.2, TOPMed Freeze 8), suggesting it is not a common benign variant in the populations represented in those databases. The c.937G>A variant in DES is located in exon 5 of this 9-exon gene, and predicted to replace an evolutionarily conserved alanine amino acid with threonine at position 313 in the region of interaction with NEB of the encoded protein. In silico predictions are in favor of damaging effect for p.(Ala313Thr) [(CADD v1.6= 34, REVEL = 0.686)]; however, there are no functional studies to support or refute these predictions. Based on available evidence this c.937G>Ap.(Ala313Thr) variant identified in DES is classified as a Variant of Uncertain Significance.

Revvity Omics, Revvity
Classification: Uncertain significance. Last evaluated: 2019-11-05. Review status: criteria provided, single submitter. Criteria: ACMG Guidelines, 2015. Collection method: clinical testing. Allele origin: germline.

Laboratory for Molecular Medicine, Mass General Brigham Personalized Medicine
Classification: Uncertain significance. Last evaluated: 2015-06-12. Review status: criteria provided, single submitter. Criteria: LMM Criteria. Collection method: clinical testing. Allele origin: germline. Observed: 1 variant allele.
Comment: The p.Ala313Thr variant in DES has not been previously reported in individuals w ith cardiomyopathy, but has been identified in 3/66414 European chromosomes by t he Exome Aggregation Consortium (ExAC). Computat ional prediction tools and conservation analysis do not provide strong support f or or against an impact to the protein. In summary, the clinical significance of the p.Ala313Thr variant is uncertain.